The following is an entry in ClinVar:

NM_001256545.2(MEGF10):c.1500G>A (p.Gln500=)

Gene: MEGF10 (multiple EGF like domains 10; plus strand). Cytogenetic location: 5q23.2.
Variant type: single nucleotide variant.
Coding change: c.1500G>A on transcript NM_001256545.2 (MANE Select); coding-DNA position 1500, G replaced by A.
Protein change: p.Gln500=; no amino-acid change (glutamine 500 retained).
Molecular consequence: synonymous variant.
Genome position (GRCh38, 1-based): chr5:127,420,117, G>A. VCF-style: chr5-127420117-G-A. GRCh37 (hg19) VCF-style: chr5-126755809-G-A.
Other names: p.Gln500=; c.1500G>A, p.Gln500= (NM_001308119.2, NM_001308121.2, NM_032446.3).
Identifiers: ClinVar variation 387811 (VCV000387811.28), dbSNP rs146075981, ClinGen allele CA3391592.

ClinVar aggregate classification (germline): Conflicting classifications of pathogenicity. Review status: criteria provided, conflicting classifications (1 of 4 stars). 6 submissions from 6 submitters: Uncertain significance (1); Benign (1); Likely benign (3). 1 of the submissions does not count toward it. Last evaluated 2026-01-21.

Conditions:
MEGF10-related disorder. Also called: MEGF10-related condition.
MEGF10-related myopathy (CMYO10A). Also called: Congenital myopathy 10A, severe variant. Identifiers: Orphanet 439212, MedGen C3280679, MONDO:0013731, OMIM 614399.

Allele frequency attached by ClinVar (database versions not stated): gnomAD exomes 0.00018 and 0.00059; ExAC 0.00063; 1000 Genomes Project 0.00220; gnomAD 0.00226 and 0.00243; 1000 Genomes Project 30x 0.00234; TOPMed 0.00262; ESP Exome Variant Server 0.00300.
gnomAD v4.1: 639 of 1,614,214 alleles (0.04%); highest among the groups gnomAD compares: African/African-American, 0.75%; no homozygotes.

Submissions (6):

Labcorp Genetics (formerly Invitae), Labcorp
Classification: Benign for MEGF10-related myopathy. Last evaluated: 2026-01-21. Review status: criteria provided, single submitter. Criteria: Invitae Variant Classification Sherloc (09022015). Collection method: clinical testing. Allele origin: germline.

Women's Health and Genetics/Laboratory Corporation of America, LabCorp
Classification: Likely benign. Last evaluated: 2025-10-06. Review status: criteria provided, single submitter. Criteria: LabCorp Variant Classification Summary - May 2015. Collection method: clinical testing. Allele origin: germline.

Mayo Clinic Laboratories, Mayo Clinic
Classification: Likely benign. Last evaluated: 2025-07-31. Review status: criteria provided, single submitter. Criteria: ACMG Guidelines, 2015. Collection method: clinical testing. Allele origin: germline. Observed: 2 variant alleles.
Comment: BS1, BP4, BP7

GeneDx
Classification: Likely benign. Last evaluated: 2020-12-08. Review status: criteria provided, single submitter. Criteria: GeneDx Variant Classification Process June 2021. Collection method: clinical testing. Allele origin: germline. Affected: yes.

Illumina Laboratory Services, Illumina
Classification: Uncertain significance for MEGF10-related myopathy. Last evaluated: 2018-01-13. Review status: criteria provided, single submitter. Criteria: ICSL Variant Classification Criteria 13 December 2019. Collection method: clinical testing. Allele origin: germline.

PreventionGenetics, part of Exact Sciences
Classification: Benign for MEGF10-related condition. Last evaluated: 2022-10-21. Review status: no assertion criteria provided. Collection method: clinical testing. Allele origin: germline. Not counted in ClinVar's aggregate classification.
Comment: This variant is classified as benign based on ACMG/AMP sequence variant interpretation guidelines (Richards et al. 2015 PMID: 25741868, with internal and published modifications).